The following is an entry in ClinVar:

ClinVar aggregate classification (germline): Uncertain significance (1 of 4 stars; one submission).

Allele frequency attached by ClinVar (database versions not stated): ExAC 0.00002; gnomAD exomes 0.00004; gnomAD 0.00005; TOPMed 0.00005; ESP Exome Variant Server 0.00016.
gnomAD v4.1: 63 of 1,613,298 alleles (0.0039%); highest among the groups gnomAD compares: Non-Finnish European, 0.0052%; no homozygotes.

Submission:

Labcorp Genetics (formerly Invitae), Labcorp
Classification: Uncertain significance. Last evaluated: 2023-11-27. Review status: criteria provided, single submitter. Criteria: Invitae Variant Classification Sherloc (09022015). Collection method: clinical testing. Allele origin: germline.
Comment: This sequence change replaces serine, which is neutral and polar, with leucine, which is neutral and non-polar, at codon 877 of the MYH7B protein (p.Ser877Leu). This variant is present in population databases (rs375472856, gnomAD 0.005%). This variant has not been reported in the literature in individuals affected with MYH7B-related conditions. Advanced modeling of protein sequence and biophysical properties (such as structural, functional, and spatial information, amino acid conservation, physicochemical variation, residue mobility, and thermodynamic stability) performed at Invitae indicates that this missense variant is not expected to disrupt MYH7B protein function with a negative predictive value of 80%. In summary, the available evidence is currently insufficient to determine the role of this variant in disease. Therefore, it has been classified as a Variant of Uncertain Significance.

NM_020884.7(MYH7B):c.2504C>T (p.Ser835Leu)

Gene: MYH7B (myosin heavy chain 7B; plus strand). Cytogenetic location: 20q11.22.
Variant type: single nucleotide variant.
Coding change: c.2504C>T on transcript NM_020884.7 (MANE Select); coding-DNA position 2504, C replaced by T.
Protein change: p.Ser835Leu; replaces serine 835 with leucine.
Molecular consequence: missense variant.
Genome position (GRCh38, 1-based): chr20:34,994,205, C>T. VCF-style: chr20-34994205-C-T. GRCh37 (hg19) VCF-style: chr20-33582008-C-T.
Other names: short protein forms S835L.
Identifiers: ClinVar variation 3015604 (VCV003015604.3), dbSNP rs375472856, ClinGen allele CA9827400.